The following is an entry in ClinVar:

ClinVar aggregate classification (germline): Uncertain significance. Review status: criteria provided, multiple submitters, no conflicts (2 of 4 stars). 4 submissions from 4 submitters: Uncertain significance (3). 1 of the submissions does not count toward it. Last evaluated 2024-08-05.

Conditions:
Inborn genetic diseases. Identifiers: MedGen C0950123, MeSH D030342.
TALDO1-related disorder. Also called: TALDO1-related condition.
Deficiency of transaldolase. Also called: EYAID SYNDROME. Identifiers: Orphanet 101028, MedGen C1291329, MONDO:0011624, OMIM 606003.

Allele frequency attached by ClinVar (database versions not stated): gnomAD exomes 0.00025 and 0.00043; ExAC 0.00030; ESP Exome Variant Server 0.00031; gnomAD 0.00046 and 0.00048; 1000 Genomes Project 0.00060; 1000 Genomes Project 30x 0.00062; TOPMed 0.00068.

Submissions (4):

Ambry Genetics
Classification: Uncertain significance for Inborn genetic diseases. Last evaluated: 2024-08-05. Review status: criteria provided, single submitter. Criteria: Ambry Variant Classification Scheme 2023. Collection method: clinical testing. Allele origin: germline.

Labcorp Genetics (formerly Invitae), Labcorp
Classification: Uncertain significance. Last evaluated: 2022-08-28. Review status: criteria provided, single submitter. Criteria: Invitae Variant Classification Sherloc (09022015). Collection method: clinical testing. Allele origin: germline.
Comment: This sequence change replaces threonine, which is neutral and polar, with serine, which is neutral and polar, at codon 23 of the TALDO1 protein (p.Thr23Ser). This variant is present in population databases (rs144787855, gnomAD 0.04%). This variant has not been reported in the literature in individuals affected with TALDO1-related conditions. ClinVar contains an entry for this variant (Variation ID: 306088). Algorithms developed to predict the effect of missense changes on protein structure and function (SIFT, PolyPhen-2, Align-GVGD) all suggest that this variant is likely to be tolerated. In summary, the available evidence is currently insufficient to determine the role of this variant in disease. Therefore, it has been classified as a Variant of Uncertain Significance.

Illumina Laboratory Services, Illumina
Classification: Uncertain significance for Deficiency of transaldolase. Last evaluated: 2018-01-13. Review status: criteria provided, single submitter. Criteria: ICSL Variant Classification Criteria 13 December 2019. Collection method: clinical testing. Allele origin: germline.

PreventionGenetics, part of Exact Sciences
Classification: Uncertain significance for TALDO1-related condition. Last evaluated: 2024-05-31. Review status: no assertion criteria provided. Collection method: clinical testing. Allele origin: germline. Not counted in ClinVar's aggregate classification.
Comment: The TALDO1 c.68C>G variant is predicted to result in the amino acid substitution p.Thr23Ser. To our knowledge, this variant has not been reported in the literature. This variant is reported in 0.043% of alleles in individuals of Latino descent in gnomAD. At this time, the clinical significance of this variant is uncertain due to the absence of conclusive functional and genetic evidence.

NM_006755.2(TALDO1):c.68C>G (p.Thr23Ser)

Gene: TALDO1 (transaldolase 1; plus strand). Cytogenetic location: 11p15.5.
Variant type: single nucleotide variant.
Coding change: c.68C>G on transcript NM_006755.2 (MANE Select); coding-DNA position 68, C replaced by G.
Protein change: p.Thr23Ser; replaces threonine 23 with serine.
Molecular consequence: missense variant.
Genome position (GRCh38, 1-based): chr11:747,549, C>G. VCF-style: chr11-747549-C-G. GRCh37 (hg19) VCF-style: chr11-747549-C-G.
Other names: short protein forms T23S.
Identifiers: ClinVar variation 306088 (VCV000306088.11), dbSNP rs144787855, ClinGen allele CA5787994.